The following is an entry in ClinVar:

ClinVar aggregate classification (germline): Conflicting classifications of pathogenicity. Review status: criteria provided, conflicting classifications (1 of 4 stars). 2 submissions from 2 submitters: Uncertain significance (1); Likely benign (1). Last evaluated 2025-10-12.

Conditions:
CRYBA2-related disorder. Also called: CRYBA2-related condition.

Allele frequency attached by ClinVar (database versions not stated): ESP Exome Variant Server 0.00008; ExAC 0.00015; gnomAD 0.00018.

Submissions (2):

PreventionGenetics, part of Exact Sciences
Classification: Likely benign for CRYBA2-related condition. Last evaluated: 2025-10-12. Review status: criteria provided, single submitter. Criteria: ACMG Guidelines, 2015. Collection method: clinical testing. Allele origin: germline.
Comment: This variant is classified as likely benign based on ACMG/AMP sequence variant interpretation guidelines (Richards et al. 2015 PMID: 25741868, with internal and published modifications).

Ambry Genetics
Classification: Uncertain significance. Last evaluated: 2025-04-11. Review status: criteria provided, single submitter. Criteria: Ambry Variant Classification Scheme 2023. Collection method: clinical testing. Allele origin: germline.

NM_057093.2(CRYBA2):c.238G>A (p.Ala80Thr)

Gene: CRYBA2 (crystallin beta A2; minus strand). Cytogenetic location: 2q35.
Variant type: single nucleotide variant.
Coding change: c.238G>A on transcript NM_057093.2 (MANE Select); coding-DNA position 238, G replaced by A.
Protein change: p.Ala80Thr; replaces alanine 80 with threonine.
Molecular consequence: missense variant.
Genome position (GRCh38, 1-based): chr2:218,992,167, C>T on the plus strand (G>A on the coding strand, the complement: CRYBA2 is on the minus strand). VCF-style: chr2-218992167-C-T. GRCh37 (hg19) VCF-style: chr2-219856889-C-T.
Other names: c.238G>A, p.Ala80Thr (NM_005209.1, NM_057094.2); short protein forms A80T.
Identifiers: ClinVar variation 2454415 (VCV002454415.5), dbSNP rs200129430, ClinGen allele CA2114497.